The following is an entry in ClinVar:

NM_024422.6(DSC2):c.1261A>C (p.Lys421Gln)

Gene: DSC2 (desmocollin 2; minus strand). Cytogenetic location: 18q12.1.
Variant type: single nucleotide variant.
Coding change: c.1261A>C on transcript NM_024422.6 (MANE Select); coding-DNA position 1261, A replaced by C.
Protein change: p.Lys421Gln; replaces lysine 421 with glutamine.
Molecular consequence: missense variant.
Genome position (GRCh38, 1-based): chr18:31,082,240, T>G on the plus strand (A>C on the coding strand, the complement: DSC2 is on the minus strand). VCF-style: chr18-31082240-T-G. GRCh37 (hg19) VCF-style: chr18-28662206-T-G.
Other names: c.832A>C, p.Lys278Gln (NM_001406506.1, NM_001406507.1); c.1261A>C, p.Lys421Gln (NM_004949.5); short protein forms K278Q, K421Q.
Identifiers: ClinVar variation 3893906 (VCV003893906.1).

ClinVar aggregate classification (germline): Uncertain significance (1 of 4 stars; one submission).

Conditions:
Cardiomyopathy (CMYO). Also called: Cardiomyopathies. Identifiers: Orphanet 167848, MedGen C0878544, MONDO:0004994, HP:0001638. Inheritance: Various modes of inheritance.

gnomAD v4.1: 2 of 1,612,540 alleles (0.00012%); highest among the groups gnomAD compares: East Asian, 0.0045%; no homozygotes.

Submission:

Color Diagnostics, LLC DBA Color Health
Classification: Uncertain significance for Cardiomyopathy. Last evaluated: 2025-02-16. Review status: criteria provided, single submitter. Criteria: ACMG Guidelines, 2015. Collection method: clinical testing. Allele origin: germline.
Comment: This missense variant replaces lysine with glutamine at codon 421 of the DSC2 protein. Computational prediction suggests that this variant may not impact protein structure and function (internally defined REVEL score threshold <= 0.5, PMID: 27666373). To our knowledge, functional studies have not been reported for this variant. This variant has not been reported in individuals affected with DSC2-related disorders in the literature. This variant has been identified in 1/250578 chromosomes in the general population by the Genome Aggregation Database (gnomAD). The available evidence is insufficient to determine the role of this variant in disease conclusively. Therefore, this variant is classified as a Variant of Uncertain Significance.